The following is an entry in ClinVar:

NM_002181.4(IHH):c.792C>A (p.Asp264Glu)

Gene: IHH (Indian hedgehog signaling molecule; minus strand). Cytogenetic location: 2q35.
Variant type: single nucleotide variant.
Coding change: c.792C>A on transcript NM_002181.4 (MANE Select); coding-DNA position 792, C replaced by A.
Protein change: p.Asp264Glu; replaces aspartic acid 264 with glutamic acid.
Molecular consequence: missense variant.
Genome position (GRCh38, 1-based): chr2:219,055,651, G>T on the plus strand (C>A on the coding strand, the complement: IHH is on the minus strand). VCF-style: chr2-219055651-G-T. GRCh37 (hg19) VCF-style: chr2-219920373-G-T.
Other names: short protein forms D264E.
Identifiers: ClinVar variation 4622025 (VCV004622025.2).

ClinVar aggregate classification (germline): Uncertain significance. Review status: criteria provided, multiple submitters, no conflicts (2 of 4 stars). 2 submissions from 2 submitters: Uncertain significance (2). Last evaluated 2025-10-28.

Conditions:
Inborn genetic diseases. Identifiers: MedGen C0950123, MeSH D030342.

gnomAD v4.1: 10 of 1,614,090 alleles (0.00062%); highest among the groups gnomAD compares: Admixed American, 0.01%; no homozygotes.

Submissions (2):

Ambry Genetics
Classification: Uncertain significance for Inborn genetic diseases. Last evaluated: 2025-10-28. Review status: criteria provided, single submitter. Criteria: Ambry Variant Classification Scheme 2023. Collection method: clinical testing. Allele origin: germline.
Comment: The c.792C>A (p.D264E) alteration is located in exon 3 (coding exon 3) of the IHH gene. This alteration results from a C to A substitution at nucleotide position 792, causing the aspartic acid (D) at amino acid position 264 to be replaced by a glutamic acid (E). Based on data from gnomAD, the A allele has an overall frequency of 0.003% (7/250860) total alleles studied. The highest observed frequency was 0.015% (5/34582) of Latino alleles. Based on insufficient or conflicting evidence, the clinical significance of this alteration remains unclear.

Labcorp Genetics (formerly Invitae), Labcorp
Classification: Uncertain significance. Last evaluated: 2025-04-30. Review status: criteria provided, single submitter. Criteria: Invitae Variant Classification Sherloc (09022015). Collection method: clinical testing. Allele origin: germline.
Comment: This sequence change replaces aspartic acid, which is acidic and polar, with glutamic acid, which is acidic and polar, at codon 264 of the IHH protein (p.Asp264Glu). This variant is present in population databases (rs747049125, gnomAD 0.01%). This variant has not been reported in the literature in individuals affected with IHH-related conditions. Invitae Evidence Modeling of protein sequence and biophysical properties (such as structural, functional, and spatial information, amino acid conservation, physicochemical variation, residue mobility, and thermodynamic stability) indicates that this missense variant is not expected to disrupt IHH protein function with a negative predictive value of 80%. In summary, the available evidence is currently insufficient to determine the role of this variant in disease. Therefore, it has been classified as a Variant of Uncertain Significance.